The following is an entry in ClinVar:

ClinVar aggregate classification (germline): Uncertain significance. Review status: criteria provided, multiple submitters, no conflicts (2 of 4 stars). 2 submissions from 2 submitters: Uncertain significance (2). Last evaluated 2025-02-12.

Conditions:
Inborn genetic diseases. Identifiers: MedGen C0950123, MeSH D030342.

Allele frequency attached by ClinVar (database versions not stated): gnomAD exomes below 0.00001; ExAC 0.00001; ESP Exome Variant Server 0.00008; gnomAD 0.00009 and 0.00010; TOPMed 0.00010.
gnomAD v4.1: 17 of 1,613,956 alleles (0.0011%); highest among the groups gnomAD compares: African/African-American, 0.017%; no homozygotes.

Submissions (2):

Ambry Genetics
Classification: Uncertain significance for Inborn genetic diseases. Last evaluated: 2025-02-12. Review status: criteria provided, single submitter. Criteria: Ambry Variant Classification Scheme 2023. Collection method: clinical testing. Allele origin: germline.

Labcorp Genetics (formerly Invitae), Labcorp
Classification: Uncertain significance. Last evaluated: 2024-11-05. Review status: criteria provided, single submitter. Criteria: Invitae Variant Classification Sherloc (09022015). Collection method: clinical testing. Allele origin: germline.
Comment: This sequence change replaces valine, which is neutral and non-polar, with isoleucine, which is neutral and non-polar, at codon 178 of the ACBD5 protein (p.Val178Ile). This variant is present in population databases (rs372553717, gnomAD 0.01%). This variant has not been reported in the literature in individuals affected with ACBD5-related conditions. ClinVar contains an entry for this variant (Variation ID: 1024330). Invitae Evidence Modeling of protein sequence and biophysical properties (such as structural, functional, and spatial information, amino acid conservation, physicochemical variation, residue mobility, and thermodynamic stability) indicates that this missense variant is not expected to disrupt ACBD5 protein function with a negative predictive value of 80%. In summary, the available evidence is currently insufficient to determine the role of this variant in disease. Therefore, it has been classified as a Variant of Uncertain Significance.

NM_145698.5(ACBD5):c.532G>A (p.Val178Ile)

Gene: ACBD5 (acyl-CoA binding domain containing 5; minus strand). Cytogenetic location: 10p12.1.
Variant type: single nucleotide variant.
Coding change: c.532G>A on transcript NM_145698.5 (MANE Select); coding-DNA position 532, G replaced by A.
Protein change: p.Val178Ile; replaces valine 178 with isoleucine.
Molecular consequence: missense variant. On other transcripts: intron variant (2).
Genome position (GRCh38, 1-based): chr10:27,219,816, C>T on the plus strand (G>A on the coding strand, the complement: ACBD5 is on the minus strand). VCF-style: chr10-27219816-C-T. GRCh37 (hg19) VCF-style: chr10-27508745-C-T.
Other names: c.427G>A, p.Val143Ile (NM_001042473.4, NM_001352577.2, NM_001352578.2 and 2 more transcripts); c.526G>A, p.Val176Ile (NM_001271512.3, NM_001352587.1); c.205G>A, p.Val69Ile (NM_001301251.2, NM_001301252.2, NM_001301253.2 and 3 more transcripts); c.586G>A, p.Val196Ile (NM_001352568.1); c.565G>A, p.Val189Ile (NM_001352569.1, NM_001352581.1); c.532G>A, p.Val178Ile (NM_001352570.1, NM_001352588.1); c.559G>A, p.Val187Ile (NM_001352571.1, NM_001352586.1); c.553G>A, p.Val185Ile (NM_001352572.1); and 5 more; short protein forms V143I, V154I, V176I, V178I, V185I, V187I, V189I, V196I.
Identifiers: ClinVar variation 1024330 (VCV001024330.9), dbSNP rs372553717, ClinGen allele CA5450895.